The following is an entry in ClinVar:

ClinVar aggregate classification (germline): Pathogenic (1 of 4 stars; one submission).

Conditions:
Neurofibromatosis, type 1 (NF1). Also called: NEUROFIBROMATOSIS, TYPE I, SOMATIC; Peripheral type neurofibromatosis; Neurofibromatosis, type I; VON RECKLINGHAUSEN DISEASE. Identifiers: Orphanet 636, MedGen C0027831, MONDO:0018975, OMIM 162200. Disease mechanism: loss of function.

Submission:

Labcorp Genetics (formerly Invitae), Labcorp
Classification: Pathogenic for Neurofibromatosis, type 1. Last evaluated: 2016-07-14. Review status: criteria provided, single submitter. Criteria: Invitae Variant Classification Sherloc (09022015). Collection method: clinical testing. Allele origin: germline.
Comment: This variant is a gross deletion of the genomic region encompassing exons 34-46 of the NF1 gene. This creates a premature translational stop signal and is expected to result in an absent or disrupted protein product. While this particular variant has not been reported in the literature, truncating variants in NF1 are known to be pathogenic (PMID: 10712197, 23913538). For these reasons, this variant has been classified as Pathogenic.

NC_000017.11:g.(?_31261711)_(31340645_?)del

Genes: EVI2A (ecotropic viral integration site 2A; minus strand), EVI2B (ecotropic viral integration site 2B; minus strand), NF1 (neurofibromin 1; plus strand), OMG (oligodendrocyte myelin glycoprotein; minus strand), LOC130060654 (ATAC-STARR-seq lymphoblastoid active region 12008; plus strand) and 2 more. Cytogenetic location: 17q11.2.
Variant type: Deletion.
Identifiers: ClinVar variation 417327 (VCV000417327.1).